The following is an entry in ClinVar:

NM_000111.3(SLC26A3):c.2222T>C (p.Ile741Thr)

Gene: SLC26A3 (solute carrier family 26 member 3; minus strand). Cytogenetic location: 7q22.3.
Variant type: single nucleotide variant.
Coding change: c.2222T>C on transcript NM_000111.3 (MANE Select); coding-DNA position 2222, T replaced by C.
Protein change: p.Ile741Thr; replaces isoleucine 741 with threonine.
Molecular consequence: missense variant.
Genome position (GRCh38, 1-based): chr7:107,767,628, A>G on the plus strand (T>C on the coding strand, the complement: SLC26A3 is on the minus strand). VCF-style: chr7-107767628-A-G. GRCh37 (hg19) VCF-style: chr7-107408073-A-G.
Other names: short protein forms I741T.
Identifiers: ClinVar variation 1356574 (VCV001356574.3), dbSNP rs2115782341, ClinGen allele CA368849442.

ClinVar aggregate classification (germline): Uncertain significance (1 of 4 stars; one submission).

Submission:

Labcorp Genetics (formerly Invitae), Labcorp
Classification: Uncertain significance. Last evaluated: 2022-09-07. Review status: criteria provided, single submitter. Criteria: Invitae Variant Classification Sherloc (09022015). Collection method: clinical testing. Allele origin: germline.
Comment: This sequence change replaces isoleucine, which is neutral and non-polar, with threonine, which is neutral and polar, at codon 741 of the SLC26A3 protein (p.Ile741Thr). This variant is not present in population databases (gnomAD no frequency). This variant has not been reported in the literature in individuals affected with SLC26A3-related conditions. ClinVar contains an entry for this variant (Variation ID: 1356574). Advanced modeling of protein sequence and biophysical properties (such as structural, functional, and spatial information, amino acid conservation, physicochemical variation, residue mobility, and thermodynamic stability) performed at Invitae indicates that this missense variant is not expected to disrupt SLC26A3 protein function. In summary, the available evidence is currently insufficient to determine the role of this variant in disease. Therefore, it has been classified as a Variant of Uncertain Significance.